The following is an entry in ClinVar:

NM_001939.3(DRP2):c.743G>A (p.Ser248Asn)

Gene: DRP2 (dystrophin related protein 2; plus strand). Cytogenetic location: Xq22.1.
Variant type: single nucleotide variant.
Coding change: c.743G>A on transcript NM_001939.3 (MANE Select); coding-DNA position 743, G replaced by A.
Protein change: p.Ser248Asn; replaces serine 248 with asparagine.
Molecular consequence: missense variant.
Genome position (GRCh38, 1-based): chrX:101,241,851, G>A. VCF-style: chrX-101241851-G-A. GRCh37 (hg19) VCF-style: chrX-100496840-G-A.
Other names: c.509G>A, p.Ser170Asn (NM_001171184.2); short protein forms S170N, S248N.
Identifiers: ClinVar variation 1364639 (VCV001364639.8), dbSNP rs2147341082, ClinGen allele CA413917484.

ClinVar aggregate classification (germline): Uncertain significance (1 of 4 stars; one submission).

gnomAD v4.1: 1 of 1,195,145 alleles (0.000084%); highest among the groups gnomAD compares: Non-Finnish European, 0.00011%; no homozygotes.

Submission:

Labcorp Genetics (formerly Invitae), Labcorp
Classification: Uncertain significance. Last evaluated: 2021-06-29. Review status: criteria provided, single submitter. Criteria: Invitae Variant Classification Sherloc (09022015). Collection method: clinical testing. Allele origin: germline.
Comment: This sequence change replaces serine with asparagine at codon 248 of the DRP2 protein (p.Ser248Asn). The serine residue is weakly conserved and there is a small physicochemical difference between serine and asparagine. This variant is not present in population databases (ExAC no frequency). This variant has not been reported in the literature in individuals affected with DRP2-related conditions. Algorithms developed to predict the effect of missense changes on protein structure and function (SIFT, PolyPhen-2, Align-GVGD) all suggest that this variant is likely to be tolerated. In summary, the available evidence is currently insufficient to determine the role of this variant in disease. Therefore, it has been classified as a Variant of Uncertain Significance.